The following is an entry in ClinVar:

ClinVar aggregate classification (germline): Pathogenic (1 of 4 stars; one submission).

Conditions:
Neurofibromatosis, type 1 (NF1). Also called: VON RECKLINGHAUSEN DISEASE; Neurofibromatosis, type I; Peripheral type neurofibromatosis; NEUROFIBROMATOSIS, TYPE I, SOMATIC. Identifiers: Orphanet 636, MedGen C0027831, MONDO:0018975, OMIM 162200. Disease mechanism: loss of function.

Submission:

Labcorp Genetics (formerly Invitae), Labcorp
Classification: Pathogenic for Neurofibromatosis, type 1. Last evaluated: 2023-03-24. Review status: criteria provided, single submitter. Criteria: Invitae Variant Classification Sherloc (09022015). Collection method: clinical testing. Allele origin: germline.
Comment: This sequence change creates a premature translational stop signal (p.Asp338Glufs*38) in the NF1 gene. It is expected to result in an absent or disrupted protein product. Loss-of-function variants in NF1 are known to be pathogenic (PMID: 10712197, 23913538). This variant is not present in population databases (gnomAD no frequency). This variant has not been reported in the literature in individuals affected with NF1-related conditions. For these reasons, this variant has been classified as Pathogenic.

Literature cited by the submitters: PubMed 10712197; PubMed 23913538.

NM_001042492.3(NF1):c.1014del (p.Asp338fs)

Gene: NF1 (neurofibromin 1; plus strand). Cytogenetic location: 17q11.2.
Variant type: Deletion.
Coding change: c.1014del on transcript NM_001042492.3 (MANE Select); coding-DNA position 1014, one base deleted (T; older notation c.1014delT).
Protein change: p.Asp338fs; shifts the reading frame from aspartic acid 338.
Molecular consequence: frameshift variant.
Genome position (GRCh38, 1-based): chr17:31,200,547, T deleted. VCF-style (leftmost placement, unchanged base first): chr17-31200546-AT-A. GRCh37 (hg19) VCF-style: chr17-29527564-AT-A.
Other names: c.1014delT, p.Asp338Glufs (NM_000267.4); c.1014del, p.Asp338fs (NM_001128147.3); short protein forms D338fs.
Identifiers: ClinVar variation 2849015 (VCV002849015.3), dbSNP rs2544794115, ClinGen allele CA2739267326.
Genomic context (GRCh38, chr17:31,200,546, plus strand): 5'-AAAGTGCTGCAATTGCCTGTGTCAAACTGTGTAAAGCAAGTACTTACATCAATTGGGAAG[AT>A]AACTCTGTCATTTTCCTACTTGTTCAGTCCATGGTGGTTGATCTTAAGGTAACATGCTTA-3'